The following is an entry in ClinVar:

ClinVar aggregate classification (germline): Uncertain significance (1 of 4 stars; one submission).

Conditions:
Hereditary spastic paraplegia 11. Also called: Nakamura Osame syndrome; Autosomal recessive hereditary spastic paraplegia, mental impairment, and thin corpus callosum; Spastic paraplegia, mental retardation and thin corpus callosum; SPASTIC PARAPLEGIA, AUTOSOMAL RECESSIVE, COMPLICATED, WITH THIN CORPUS CALLOSUM; SPASTIC PARAPLEGIA, AUTOSOMAL RECESSIVE, WITH MENTAL IMPAIRMENT AND THIN CORPUS CALLOSUM; Spastic Paraplegia 11. Identifiers: Orphanet 2822, MedGen C1858479, MONDO:0011445, OMIM 604360.

gnomAD v4.1: 1 of 1,614,102 alleles (0.000062%); no homozygotes.

Submission:

Labcorp Genetics (formerly Invitae), Labcorp
Classification: Uncertain significance for Spastic paraplegia 11, autosomal recessive. Last evaluated: 2019-11-13. Review status: criteria provided, single submitter. Criteria: Invitae Variant Classification Sherloc (09022015). Collection method: clinical testing. Allele origin: germline.
Comment: This sequence change replaces isoleucine with threonine at codon 301 of the SPG11 protein (p.Ile301Thr). The isoleucine residue is weakly conserved and there is a moderate physicochemical difference between isoleucine and threonine. This variant is not present in population databases (ExAC no frequency). This variant has not been reported in the literature in individuals with SPG11-related conditions. Algorithms developed to predict the effect of missense changes on protein structure and function output the following: SIFT: "Tolerated"; PolyPhen-2: "Benign"; Align-GVGD: "Class C0". The threonine amino acid residue is found in multiple mammalian species, suggesting that this missense change does not adversely affect protein function. These predictions have not been confirmed by published functional studies and their clinical significance is uncertain. In summary, the available evidence is currently insufficient to determine the role of this variant in disease. Therefore, it has been classified as a Variant of Uncertain Significance.

NM_025137.4(SPG11):c.902T>C (p.Ile301Thr)

Gene: SPG11 (SPG11 vesicle trafficking associated, spatacsin; minus strand). Cytogenetic location: 15q21.1.
Variant type: single nucleotide variant.
Coding change: c.902T>C on transcript NM_025137.4 (MANE Select); coding-DNA position 902, T replaced by C.
Protein change: p.Ile301Thr; replaces isoleucine 301 with threonine.
Molecular consequence: missense variant.
Genome position (GRCh38, 1-based): chr15:44,652,234, A>G on the plus strand (T>C on the coding strand, the complement: SPG11 is on the minus strand). VCF-style: chr15-44652234-A-G. GRCh37 (hg19) VCF-style: chr15-44944432-A-G.
Other names: c.902T>C, p.Ile301Thr (NM_001160227.2); short protein forms I301T.
Identifiers: ClinVar variation 963649 (VCV000963649.1), dbSNP rs1032246775, ClinGen allele CA270103048.
Genomic context (GRCh38, chr15:44,652,234, plus strand): 5'-GAGTTAACAGGATCATCTTCATCTACGCCCTTAGGTCCTTGAATAGGAAGATCTTCTAGT[A>G]TTCTTTCACACAGTAGGTGTCCTGGGTGTTGCCTACATTTAAAAATAATGATAGACATAT-3'
Protein context (NP_079413.3, residues 291-311): QHPGHLLCER[Ile301Thr]LEDLPIQGPK